The following is an entry in ClinVar:

ClinVar aggregate classification (germline): Uncertain significance (1 of 4 stars; one submission).

Allele frequency attached by ClinVar (database versions not stated): gnomAD exomes below 0.00001.
gnomAD v4.1: 5 of 1,488,232 alleles (0.00034%); highest among the groups gnomAD compares: South Asian, 0.004%; no homozygotes.

Submission:

GeneDx
Classification: Uncertain significance. Last evaluated: 2022-01-28. Review status: criteria provided, single submitter. Criteria: GeneDx Variant Classification Process June 2021. Collection method: clinical testing. Allele origin: germline. Affected: yes.
Comment: In silico analysis supports that this missense variant has a deleterious effect on protein structure/function; Has not been previously published as pathogenic or benign to our knowledge

NM_001353345.2(SETD1B):c.4270C>T (p.Arg1424Trp)

Gene: SETD1B (SET domain containing 1B, histone lysine methyltransferase; plus strand). Cytogenetic location: 12q24.31.
Variant type: single nucleotide variant.
Coding change: c.4270C>T on transcript NM_001353345.2 (MANE Select); coding-DNA position 4270, C replaced by T.
Protein change: p.Arg1424Trp; replaces arginine 1424 with tryptophan.
Molecular consequence: missense variant.
Genome position (GRCh38, 1-based): chr12:121,822,849, C>T. VCF-style: chr12-121822849-C-T. GRCh37 (hg19) VCF-style: chr12-122260755-C-T.
Other names: short protein forms R1424W.
Identifiers: ClinVar variation 1699825 (VCV001699825.2), dbSNP rs1274766216, ClinGen allele CA386998680.
Genomic context (GRCh38, chr12:121,822,849, plus strand): 5'-CCCGGCAGCCCCTTCTCCTACCCAGCCCCGTCCCCTAGCTTGAGCAGTGGGGGCCTCCCT[C>T]GGACACCTGGCCGGGACTTCAGCTTCACACCCACCTTCTCCGAGCCCAGCGGGCCCTTGC-3'
Protein context (NP_001340274.1, residues 1414-1434): SPSLSSGGLP[Arg1424Trp]TPGRDFSFTP